The following is an entry in ClinVar:

ClinVar aggregate classification (germline): Likely benign. Review status: reviewed by expert panel (3 of 4 stars). 9 submissions from 9 submitters: Likely benign (1). 8 of the submissions do not count toward it. Last evaluated 2017-06-29.

Conditions:
BRCA2-related disorder. Also called: BRCA2-related condition; BRCA2-related disorders. Identifiers: MedGen CN239275.
Hereditary cancer-predisposing syndrome. Also called: Tumor predisposition; Hereditary Cancer Syndrome; Hereditary neoplastic syndrome; Neoplastic Syndromes, Hereditary. Identifiers: Orphanet 140162, MedGen C0027672, MeSH D009386, MONDO:0015356.
Hereditary breast ovarian cancer syndrome. Also called: Breast and ovarian cancer; Hereditary breast and ovarian cancer syndrome; Hereditary breast and ovarian cancer; BRCA1- and BRCA2-Associated Hereditary Breast and Ovarian Cancer; Hereditary breast and ovarian cancer syndrome (HBOC); Hereditary breast and/or ovarian cancer syndrome. Identifiers: Orphanet 145, MedGen C0677776, MeSH D061325, MONDO:0003582. Disease mechanism: loss of function.
Breast-ovarian cancer, familial, susceptibility to, 2 (BROVCA2). Also called: BRCA2 Hereditary Breast and Ovarian Cancer. Identifiers: Orphanet 145, MedGen C2675520, MONDO:0012933, OMIM 612555. Disease mechanism: loss of function.

Allele frequency attached by ClinVar (database versions not stated): gnomAD exomes below 0.00001 and 0.00001; TOPMed below 0.00001; ExAC 0.00002.
gnomAD v4.1: 2 of 1,614,178 alleles (0.00012%); highest among the groups gnomAD compares: South Asian, 0.0011%; no homozygotes.

Submissions (9):

Evidence-based Network for the Interpretation of Germline Mutant Alleles (ENIGMA)
Classification: Likely benign for Breast-ovarian cancer, familial, susceptibility to, 2. Last evaluated: 2017-06-29. Review status: reviewed by expert panel. Criteria: ENIGMA BRCA1/2 Classification Criteria (2017-06-29). Collection method: curation. Allele origin: germline.
Comment: Synonymous substitution variant, with low bioinformatic likelihood to result in a splicing aberration (Splicing prior probability 0.02).

Labcorp Genetics (formerly Invitae), Labcorp
Classification: Likely benign for Hereditary breast ovarian cancer syndrome. Last evaluated: 2026-02-02. Review status: criteria provided, single submitter. Criteria: Invitae Variant Classification Sherloc (09022015). Collection method: clinical testing. Allele origin: germline. Not counted in ClinVar's aggregate classification.

All of Us Research Program, National Institutes of Health
Classification: Likely benign for Breast-ovarian cancer, familial, susceptibility to, 2. Last evaluated: 2023-05-16. Review status: criteria provided, single submitter. Criteria: ACMG Guidelines, 2015. Collection method: clinical testing. Allele origin: germline. Inheritance: Autosomal dominant inheritance. Observed: 1 variant allele, 1 heterozygote. Not counted in ClinVar's aggregate classification.
Comment: This study involves interpretation of variants in research participants for the purpose of population health screening. Participant phenotype was not available at the time of variant classification. Additional details can be found in publication PMID: 35346344, PMCID: PMC8962531

Women's Health and Genetics/Laboratory Corporation of America, LabCorp
Classification: Likely benign. Last evaluated: 2020-01-31. Review status: criteria provided, single submitter. Criteria: LabCorp Variant Classification Summary - May 2015. Collection method: clinical testing. Allele origin: germline. Not counted in ClinVar's aggregate classification.

Quest Diagnostics Nichols Institute San Juan Capistrano
Classification: Likely benign. Last evaluated: 2019-02-04. Review status: criteria provided, single submitter. Criteria: Quest Diagnostics criteria. Collection method: clinical testing. Allele origin: germline. Not counted in ClinVar's aggregate classification.

Ambry Genetics
Classification: Likely benign for Hereditary cancer-predisposing syndrome. Last evaluated: 2016-02-16. Review status: criteria provided, single submitter. Criteria: Ambry Variant Classification Scheme 2023. Collection method: clinical testing. Allele origin: germline. Not counted in ClinVar's aggregate classification.

Color Diagnostics, LLC DBA Color Health
Classification: Likely benign for Hereditary cancer-predisposing syndrome. Last evaluated: 2015-06-08. Review status: criteria provided, single submitter. Criteria: ACMG Guidelines, 2015. Collection method: clinical testing. Allele origin: germline. Not counted in ClinVar's aggregate classification.

GeneDx
Classification: Benign. Last evaluated: 2015-04-30. Review status: criteria provided, single submitter. Criteria: GeneDx Variant Classification Process June 2021. Collection method: clinical testing. Allele origin: germline. Affected: yes. Not counted in ClinVar's aggregate classification.

PreventionGenetics, part of Exact Sciences
Classification: Likely benign for BRCA2-related condition. Last evaluated: 2019-11-01. Review status: no assertion criteria provided. Collection method: clinical testing. Allele origin: germline. Not counted in ClinVar's aggregate classification.
Comment: This variant is classified as likely benign based on ACMG/AMP sequence variant interpretation guidelines (Richards et al. 2015 PMID: 25741868, with internal and published modifications).

Literature cited by the submitters: PubMed 29884841 (cited by Quest Diagnostics Nichols Institute San Juan Capistrano); PubMed 29398457 (cited by Quest Diagnostics Nichols Institute San Juan Capistrano); PubMed 25186627 (cited by Quest Diagnostics Nichols Institute San Juan Capistrano); PubMed 19043619 (cited by Quest Diagnostics Nichols Institute San Juan Capistrano).

NM_000059.4(BRCA2):c.8118T>C (p.Asn2706=)

Gene: BRCA2 (BRCA2 DNA repair associated; plus strand). Cytogenetic location: 13q13.1.
Variant type: single nucleotide variant.
Coding change: c.8118T>C on transcript NM_000059.4 (MANE Select); coding-DNA position 8118, T replaced by C.
Protein change: p.Asn2706=; no amino-acid change (asparagine 2706 retained).
Molecular consequence: synonymous variant.
Genome position (GRCh38, 1-based): chr13:32,363,320, T>C. VCF-style: chr13-32363320-T-C. GRCh37 (hg19) VCF-style: chr13-32937457-T-C.
Identifiers: ClinVar variation 184162 (VCV000184162.28), dbSNP rs758549180, ClinGen allele CA025460.